The following is an entry in ClinVar:

ClinVar aggregate classification (germline): Uncertain significance (1 of 4 stars; one submission).

Conditions:
Hereditary cancer-predisposing syndrome. Also called: Neoplastic Syndromes, Hereditary; Tumor predisposition; Hereditary Cancer Syndrome; Hereditary neoplastic syndrome. Identifiers: Orphanet 140162, MedGen C0027672, MeSH D009386, MONDO:0015356.

Submission:

Ambry Genetics
Classification: Uncertain significance for Hereditary cancer-predisposing syndrome. Last evaluated: 2021-12-10. Review status: criteria provided, single submitter. Criteria: Ambry Variant Classification Scheme 2023. Collection method: clinical testing. Allele origin: germline.
Comment: The p.L631I variant (also known as c.1891C>A), located in coding exon 9 of the BARD1 gene, results from a C to A substitution at nucleotide position 1891. The leucine at codon 631 is replaced by isoleucine, an amino acid with highly similar properties. This amino acid position is conserved. In addition, this alteration is predicted to be tolerated by in silico analysis. Since supporting evidence is limited at this time, the clinical significance of this alteration remains unclear.

NM_000465.4(BARD1):c.1891C>A (p.Leu631Ile)

Gene: BARD1 (BRCA1 associated RING domain 1; minus strand). Cytogenetic location: 2q35.
Variant type: single nucleotide variant.
Coding change: c.1891C>A on transcript NM_000465.4 (MANE Select); coding-DNA position 1891, C replaced by A.
Protein change: p.Leu631Ile; replaces leucine 631 with isoleucine.
Molecular consequence: missense variant. On other transcripts: non-coding transcript variant (3), intron variant (1).
Genome position (GRCh38, 1-based): chr2:214,745,079, G>T on the plus strand (C>A on the coding strand, the complement: BARD1 is on the minus strand). VCF-style: chr2-214745079-G-T. GRCh37 (hg19) VCF-style: chr2-215609803-G-T.
Other names: c.1834C>A, p.Leu612Ile (NM_001282543.2); c.538C>A, p.Leu180Ile (NM_001282545.2); c.481C>A, p.Leu161Ile (NM_001282548.2); c.365-14571C>A (NM_001282549.2); short protein forms L180I, L612I, L161I, L631I.
Identifiers: ClinVar variation 1782076 (VCV001782076.2), dbSNP rs2469337600, ClinGen allele CA350452073.